The following is an entry in ClinVar:

NM_021098.3(CACNA1H):c.1748A>G (p.Glu583Gly)

Gene: CACNA1H (calcium voltage-gated channel subunit alpha1 H; plus strand). Cytogenetic location: 16p13.3.
Variant type: single nucleotide variant.
Coding change: c.1748A>G on transcript NM_021098.3 (MANE Select); coding-DNA position 1748, A replaced by G.
Protein change: p.Glu583Gly; replaces glutamic acid 583 with glycine.
Molecular consequence: missense variant.
Genome position (GRCh38, 1-based): chr16:1,202,198, A>G. VCF-style: chr16-1202198-A-G. GRCh37 (hg19) VCF-style: chr16-1252198-A-G.
Other names: c.1748A>G, p.Glu583Gly (NM_001005407.2); short protein forms E583G.
Identifiers: ClinVar variation 3343156 (VCV003343156.1).
Genomic context (GRCh38, chr16:1,202,198, plus strand): 5'-GCCGCGGACCCCCCGACGCAGAGTCTGTGCACAGCATCTACCATGCCGACTGCCACATAG[A>G]GGGGCCGCAGGAGAGGGCCCGGGTGGCACATGCCGCAGCCACTGCCGCTGCCAGCCTCAG-3'
Protein context (NP_066921.2, residues 573-593): HSIYHADCHI[Glu583Gly]GPQERARVAH

ClinVar aggregate classification (germline): Uncertain significance (1 of 4 stars; one submission).

Submission:

GeneDx
Classification: Uncertain significance. Last evaluated: 2023-04-21. Review status: criteria provided, single submitter. Criteria: GeneDx Variant Classification Process June 2021. Collection method: clinical testing. Allele origin: germline. Affected: yes.
Comment: Not observed at significant frequency in large population cohorts (gnomAD); In silico analysis supports that this missense variant has a deleterious effect on protein structure/function; Has not been previously published as pathogenic or benign to our knowledge